The following is an entry in ClinVar:

ClinVar aggregate classification (germline): Uncertain significance. Review status: criteria provided, multiple submitters, no conflicts (2 of 4 stars). 3 submissions from 3 submitters: Uncertain significance (3). Last evaluated 2024-04-18.

Conditions:
Epilepsy, childhood absence, susceptibility to, 6. Identifiers: Orphanet 64280, MedGen C2749872, MONDO:0012763, OMIM 611942.
Hyperaldosteronism, familial, type IV (HALD4). Also called: FH IV; ALDOSTERONISM, PRIMARY, AND HYPERTENSION. Identifiers: Orphanet 642671, MedGen C4310756, MONDO:0014875, OMIM 617027.
Idiopathic generalized epilepsy. Also called: Generalised epilepsy; EIG. Identifiers: MedGen C0270850, MONDO:0005579, OMIM 600669.

Allele frequency attached by ClinVar (database versions not stated): gnomAD 0.00003; ExAC 0.00005.

Submissions (3):

Fulgent Genetics
Classification: Uncertain significance for Epilepsy, childhood absence, susceptibility to, 6; Hyperaldosteronism, familial, type IV. Last evaluated: 2024-04-18. Review status: criteria provided, single submitter. Criteria: ACMG Guidelines, 2015. Collection method: clinical testing. Allele origin: germline.

Labcorp Genetics (formerly Invitae), Labcorp
Classification: Uncertain significance for Idiopathic generalized epilepsy; Hyperaldosteronism, familial, type IV. Last evaluated: 2022-11-29. Review status: criteria provided, single submitter. Criteria: Invitae Variant Classification Sherloc (09022015). Collection method: clinical testing. Allele origin: germline.
Comment: In summary, the available evidence is currently insufficient to determine the role of this variant in disease. Therefore, it has been classified as a Variant of Uncertain Significance. Advanced modeling of protein sequence and biophysical properties (such as structural, functional, and spatial information, amino acid conservation, physicochemical variation, residue mobility, and thermodynamic stability) performed at Invitae indicates that this missense variant is expected to disrupt CACNA1H protein function. ClinVar contains an entry for this variant (Variation ID: 379364). This variant has not been reported in the literature in individuals affected with CACNA1H-related conditions. The frequency data for this variant in the population databases is considered unreliable, as metrics indicate poor data quality at this position in the gnomAD database. This sequence change replaces arginine, which is basic and polar, with cysteine, which is neutral and slightly polar, at codon 884 of the CACNA1H protein (p.Arg884Cys).

GeneDx
Classification: Uncertain significance. Last evaluated: 2016-11-01. Review status: criteria provided, single submitter. Criteria: GeneDx Variant Classification (06012015). Collection method: clinical testing. Allele origin: germline. Affected: yes.
Comment: The R884C variant in the CACNA1H gene has not been reported previously as a pathogenic variant, nor as a benign variant, to our knowledge. The R884C variant was not observed in approximately 6300 individuals of European and African American ancestry in the NHLBI Exome Sequencing Project, indicating it is not a common benign variant in these populations. The R884C variant is a non-conservative amino acid substitution, which is likely to impact secondary protein structure as these residues differ in polarity, charge, size and/or other properties. This substitution occurs at a position that is conserved across species. In silico analysis predicts this variant is probably damaging to the protein structure/function. We interpret R884C as a variant of uncertain significance.

NM_021098.3(CACNA1H):c.2650C>T (p.Arg884Cys)

Gene: CACNA1H (calcium voltage-gated channel subunit alpha1 H; plus strand). Cytogenetic location: 16p13.3.
Variant type: single nucleotide variant.
Coding change: c.2650C>T on transcript NM_021098.3 (MANE Select); coding-DNA position 2650, C replaced by T.
Protein change: p.Arg884Cys; replaces arginine 884 with cysteine.
Molecular consequence: missense variant.
Genome position (GRCh38, 1-based): chr16:1,206,150, C>T. VCF-style: chr16-1206150-C-T. GRCh37 (hg19) VCF-style: chr16-1256150-C-T.
Other names: c.2650C>T, p.Arg884Cys (NM_001005407.2); short protein forms R884C.
Identifiers: ClinVar variation 379364 (VCV000379364.6), dbSNP rs762653776, ClinGen allele CA7800395.
Genomic context (GRCh38, chr16:1,206,150, plus strand): 5'-CCACCTGTCCGCAGCGTCTGGGAGATCGTGGGGCAGGCGGACGGTGGCTTGTCTGTGCTG[C>T]GCACCTTCCGGCTGCTGCGTGTGCTGAAGCTGGTGCGCTTTCTGCCAGCCCTGCGGCGCC-3'
Protein context (NP_066921.2, residues 874-894): GQADGGLSVL[Arg884Cys]TFRLLRVLKL